The following is an entry in ClinVar:

NM_172362.3(KCNH1):c.1486G>A (p.Gly496Arg)

Gene: KCNH1 (potassium voltage-gated channel subfamily H member 1; minus strand). Cytogenetic location: 1q32.2.
Variant type: single nucleotide variant.
Coding change: c.1486G>A on transcript NM_172362.3 (MANE Select); coding-DNA position 1486, G replaced by A.
Protein change: p.Gly496Arg; replaces glycine 496 with arginine.
Molecular consequence: missense variant.
Genome position (GRCh38, 1-based): chr1:210,804,143, C>T on the plus strand (G>A on the coding strand, the complement: KCNH1 is on the minus strand). VCF-style: chr1-210804143-C-T. GRCh37 (hg19) VCF-style: chr1-210977485-C-T.
Other names: c.1405G>A, p.Gly469Arg (NM_002238.4); short protein forms G469R, G496R.
Identifiers: ClinVar variation 183418 (VCV000183418.21), dbSNP rs730882175, ClinGen allele CA215108.

ClinVar aggregate classification (germline): Pathogenic/Likely pathogenic. Review status: criteria provided, multiple submitters, no conflicts (2 of 4 stars). 13 submissions from 12 submitters: Pathogenic (10); Likely pathogenic (1). 2 of the submissions do not count toward it. Last evaluated 2026-08-06.

Conditions:
KCNH1-related disorder. Also called: KCNH1-related disorders; KCNH1-related condition.
Temple-Baraitser syndrome (TMBTS). Also called: Severe mental retardation and absent nails of hallux and pollex. Identifiers: Orphanet 420561, MedGen C2678486, MONDO:0012735, OMIM 611816.
Zimmermann-Laband syndrome 1 (ZLS1). Identifiers: Orphanet 3473, MedGen C4551773, MONDO:0024526, OMIM 135500.
Inborn genetic diseases. Identifiers: MedGen C0950123, MeSH D030342.
Epilepsy. Also called: Seizure disorder. Identifiers: MedGen C0014544, MeSH D004827, MONDO:0005027.

Submissions (13):

Cytogénomique, Hospices Civils de Lyon
Classification: Pathogenic for Epilepsy. Last evaluated: 2026-08-06. Review status: criteria provided, single submitter. Criteria: ACMG Guidelines, 2015. Collection method: clinical testing. Allele origin: germline. Affected: yes.

Labcorp Genetics (formerly Invitae), Labcorp
Classification: Pathogenic. Last evaluated: 2025-06-18. Review status: criteria provided, single submitter. Criteria: Invitae Variant Classification Sherloc (09022015). Collection method: clinical testing. Allele origin: germline.
Comment: This sequence change replaces glycine, which is neutral and non-polar, with arginine, which is basic and polar, at codon 496 of the KCNH1 protein (p.Gly496Arg). This variant is not present in population databases (gnomAD no frequency). This missense change has been observed in individual(s) with Zimmermann-Laband syndrome (PMID: 25915598). In at least one individual the variant was observed to be de novo. This variant is also known as NM_002238.3 c.1405G>A, p.Gly469Arg . ClinVar contains an entry for this variant (Variation ID: 183418). Invitae Evidence Modeling of protein sequence and biophysical properties (such as structural, functional, and spatial information, amino acid conservation, physicochemical variation, residue mobility, and thermodynamic stability) has been performed for this missense variant. However, the output from this modeling did not meet the statistical confidence thresholds required to predict the impact of this variant on KCNH1 protein function. For these reasons, this variant has been classified as Pathogenic.

GeneDx
Classification: Pathogenic. Last evaluated: 2024-08-15. Review status: criteria provided, single submitter. Criteria: GeneDx Variant Classification Process June 2021. Collection method: clinical testing. Allele origin: germline. Affected: yes.
Comment: Functional studies demonstrate that the G496R variant results in a gain of function effect (PMID: 25915598); In silico analysis supports that this missense variant has a deleterious effect on protein structure/function; Not observed at significant frequency in large population cohorts (gnomAD); This variant is associated with the following publications: (PMID: 26264464, 33619735, 33594261, 26818738, 25915598, 33811134, 33057194, 36980980, 35982160, 37489029, 35982159)

Blueprint Genetics
Classification: Pathogenic for KCNH1-related disorders. Last evaluated: 2024-02-14. Review status: criteria provided, single submitter. Criteria: ACMG Guidelines, 2015. Collection method: clinical testing. Allele origin: germline. Affected: yes. Observed: 1 variant allele.

Institute of Human Genetics, University of Leipzig Medical Center
Classification: Pathogenic for Temple-Baraitser syndrome. Last evaluated: 2023-01-17. Review status: criteria provided, single submitter. Criteria: ACMG Guidelines, 2015. Collection method: clinical testing. Allele origin: unknown. Inheritance: Autosomal dominant inheritance. Affected: yes.
Comment: Criteria applied: PS4,PS2_MOD,PM5,PM2_SUP,PP2,PP3

Laboratory of Medical Genetics, University of Torino
Classification: Pathogenic for Temple-Baraitser syndrome. Last evaluated: 2022-11-29. Review status: criteria provided, single submitter. Criteria: ACMG Guidelines, 2015. Collection method: research. Allele origin: germline. Affected: yes. Study: NeuroWES.

Fulgent Genetics
Classification: Pathogenic for Zimmermann-Laband syndrome 1; Temple-Baraitser syndrome. Last evaluated: 2022-04-27. Review status: criteria provided, single submitter. Criteria: ACMG Guidelines, 2015. Collection method: clinical testing. Allele origin: unknown.

Institute of Human Genetics, University of Leipzig Medical Center
Classification: Pathogenic for Zimmermann-Laband syndrome 1. Last evaluated: 2022-01-06. Review status: criteria provided, single submitter. Criteria: ACMG Guidelines, 2015. Collection method: clinical testing. Allele origin: unknown. Affected: yes.
Comment: _x000D_ Criteria applied: PS2, PS3, PS4_MOD, PM2_SUP, PP2, PP3

Genetics Laboratory, UDIAT-Centre Diagnòstic, Hospital Universitari Parc Tauli
Classification: Pathogenic. Last evaluated: 2021-04-26. Review status: criteria provided, single submitter. Criteria: Parc Tauli Hospital Assertion Criteria 2021. Collection method: clinical testing. Allele origin: de novo. Inheritance: Autosomal dominant inheritance. Affected: yes. Observed: 1 heterozygote.
Comment: PP5_very strong;PM1_moderate;PM2_supporting;PM6_moderate;PP2_supporting;PP3_supporting

Institute of Human Genetics Munich, TUM University Hospital
Classification: Pathogenic for Zimmermann-Laband syndrome 1. Last evaluated: 2017-11-16. Review status: criteria provided, single submitter. Criteria: Classification criteria August 2017. Collection method: clinical testing. Allele origin: germline. Inheritance: Autosomal dominant inheritance. Affected: yes. Observed: 1 heterozygote.

Ambry Genetics
Classification: Likely pathogenic for Inborn genetic diseases. Last evaluated: 2016-11-09. Review status: criteria provided, single submitter. Criteria: Ambry exome assertion method (8-5-2015). Collection method: clinical testing. Allele origin: germline. Affected: yes. Observed: 1 variant allele.

OMIM
Classification: Pathogenic for ZIMMERMANN-LABAND SYNDROME 1. Last evaluated: 2015-06-01. Review status: no assertion criteria provided. Collection method: literature only. Allele origin: germline. Not counted in ClinVar's aggregate classification.

Reparto di Fisiopatologia delle Malattie Genetiche, Dipartimento di Ematologia, Oncologia; Istituto Superiore di Sanità
Classification: Pathogenic for Laband syndrome. Review status: no assertion criteria provided. Collection method: not provided. Allele origin: de novo, germline. Not counted in ClinVar's aggregate classification.
Comment: Genomic DNA was isolated from peripheral blood leukocytes, hair bulb and/or buccal cells.
ClinVar note: Converted during submission from pathogenic to Pathogenic.

Literature cited by the submitters: PubMed 25915598 (cited by 3 submitters); PubMed 33619735 (cited by Institute of Human Genetics, University of Leipzig Medical Center).